The following is an entry in ClinVar:

ClinVar aggregate classification (germline): Likely benign (0 of 4 stars; one submission).

Submission:

Genetic Services Laboratory, University of Chicago
Classification: Likely benign. Review status: no assertion criteria provided. Collection method: clinical testing. Allele origin: germline. Inheritance: Autosomal recessive inheritance.
Comment: Likely benign based on allele frequency in 1000 Genomes Project or ESP global frequency and its presence in a patient with a rare or unrelated disease phenotype. NOT Sanger confirmed

NM_001253852.3(AP4B1):c.-35G>C

Genes: AP4B1 (adaptor related protein complex 4 subunit beta 1; minus strand), DCLRE1B (DNA cross-link repair 1B; plus strand), LOC129931235 (ATAC-STARR-seq lymphoblastoid active region 1540; plus strand). Cytogenetic location: 1p13.2.
Variant type: single nucleotide variant.
Coding change: c.-35G>C on transcript NM_001253852.3 (MANE Select); 35 bases upstream of the start codon, G replaced by C.
Molecular consequence: 5 prime UTR variant. On other transcripts: intron variant (1).
Genome position (GRCh38, 1-based): chr1:113,904,752, C>G on the plus strand (G>C on the coding strand, the complement: AP4B1 is on the minus strand). VCF-style: chr1-113904752-C-G. GRCh37 (hg19) VCF-style: chr1-114447374-C-G.
Other names: c.-35G>C (NM_006594.5, NM_001308312.2, NM_001437822.1 and 7 more transcripts); c.-331+44C>G (NM_001319947.2); c.-204G>C (NM_001253853.3).
Identifiers: ClinVar variation 157715 (VCV000157715.7), dbSNP rs587783177, ClinGen allele CA171103.